The following is an entry in ClinVar:

NM_005359.6(SMAD4):c.956-33G>C

Gene: SMAD4 (SMAD family member 4; plus strand). Cytogenetic location: 18q21.2.
Variant type: single nucleotide variant.
Coding change: c.956-33G>C on transcript NM_005359.6 (MANE Select); 33 bases into the intron before coding-DNA position 956, G replaced by C.
Molecular consequence: intron variant.
Genome position (GRCh38, 1-based): chr18:51,065,390, G>C. VCF-style: chr18-51065390-G-C. GRCh37 (hg19) VCF-style: chr18-48591760-G-C.
Other names: c.956-33G>C (NM_001407042.1, NM_001407041.1, NM_001407043.1).
Identifiers: ClinVar variation 4854458 (VCV004854458.1).

ClinVar aggregate classification (germline): Uncertain significance (1 of 4 stars; one submission).

Conditions:
Myhre syndrome (MYHRS). Also called: LARYNGOTRACHEAL STENOSIS, ARTHROPATHY, PROGNATHISM, AND SHORT STATURE; LAPS SYNDROME. Identifiers: Orphanet 2588, MedGen C0796081, MONDO:0007688, OMIM 139210.

Submission:

3billion
Classification: Uncertain significance for Myhre syndrome. Last evaluated: 2025-06-07. Review status: criteria provided, single submitter. Criteria: ACMG Guidelines, 2015. Collection method: clinical testing. Allele origin: germline. Affected: yes.
Comment: The variant is not observed in the gnomAD v4.1.0 dataset. Predicted Consequence/Location: Intron variant In silico tools predict the variant to alter splicing and produce an abnormal transcript [SpliceAI: 0.25 (>=0.2, moderate evidence for spliceogenicity)]. Therefore, this variant is classified as VUS according to the recommendation of ACMG/AMP guideline.